The following is an entry in ClinVar:

NM_014423.4(AFF4):c.1405A>G (p.Thr469Ala)

Gene: AFF4 (ALF transcription elongation factor 4; minus strand). Cytogenetic location: 5q31.1.
Variant type: single nucleotide variant.
Coding change: c.1405A>G on transcript NM_014423.4 (MANE Select); coding-DNA position 1405, A replaced by G.
Protein change: p.Thr469Ala; replaces threonine 469 with alanine.
Molecular consequence: missense variant.
Genome position (GRCh38, 1-based): chr5:132,897,225, T>C on the plus strand (A>G on the coding strand, the complement: AFF4 is on the minus strand). VCF-style: chr5-132897225-T-C. GRCh37 (hg19) VCF-style: chr5-132232917-T-C.
Other names: short protein forms T469A.
Identifiers: ClinVar variation 4977925 (VCV004977925.1).
Genomic context (GRCh38, chr5:132,897,225, plus strand): 5'-CGGGTGACACTTTATGTGGGTTCACTTTATTCAGCCAATTATCAAGTTGCCATTTGTTTG[T>C]TGGCGGGGGTTCAGGCTGAAAAACAGAGAAATATGTATGCTTTTTTCGATACTGAATGCT-3'
Protein context (NP_055238.1, residues 459-479): SASPEPEPPP[Thr469Ala]NKWQLDNWLN

ClinVar aggregate classification (germline): Uncertain significance (1 of 4 stars; one submission).

Conditions:
AFF4-related disorder. Also called: AFF4-related condition.

gnomAD v4.1: 3 of 1,612,824 alleles (0.00019%); highest among the groups gnomAD compares: Non-Finnish European, 0.00025%; no homozygotes.

Submission:

PreventionGenetics, part of Exact Sciences
Classification: Uncertain significance for AFF4-related condition. Last evaluated: 2026-05-14. Review status: criteria provided, single submitter. Criteria: ACMG Guidelines, 2015. Collection method: clinical testing. Allele origin: germline.
Comment: The AFF4 c.1405A>G variant is predicted to result in the amino acid substitution p.Thr469Ala. To our knowledge, this variant has not been reported in the literature or in a large population database (gnomAD), indicating this variant is rare. At this time, the clinical significance of this variant is uncertain due to the absence of conclusive functional and genetic evidence.